The following is an entry in ClinVar:

NM_000548.5(TSC2):c.4663-12dup

Gene: TSC2 (TSC complex subunit 2; plus strand). Cytogenetic location: 16p13.3.
Variant type: Duplication.
Coding change: c.4663-12dup on transcript NM_000548.5 (MANE Select); 12 bases into the intron before coding-DNA position 4663, one base duplicated (C; older notation c.4663-12dupC).
Molecular consequence: intron variant.
Genome position (GRCh38, 1-based): chr16:2,086,181, C duplicated; the last of 4 consecutive C bases (chr16:2,086,178-2,086,181); duplicating any one gives the same sequence. VCF-style (leftmost placement, unchanged base first): chr16-2086177-T-TC. GRCh37 (hg19) VCF-style: chr16-2136178-T-TC.
Other names: c.3121-12dup (NM_001406693.1, NM_001406692.1, NM_001406694.1); c.4555-12dup (NM_001406667.1); c.4552-12dup (NM_001406668.1); c.4063-12dup (NM_001406680.1); c.3994-12dup (NM_001406683.1, NM_001406682.1); c.3862-12dup (NM_001406687.1, NM_001406688.1); c.3250-12dup (NM_001406689.1); c.3190-12dup (NM_001406690.1); and 26 more.
Identifiers: ClinVar variation 2883076 (VCV002883076.4), dbSNP rs2544364887, ClinGen allele CA2631123464.
Genomic context (GRCh38, chr16:2,086,177, plus strand): 5'-CTGGGCACCCCCACCCTCTGCGGGGCAGGGCCCGGCCCGGGAGTGATGCCACCCTGCCTC[T>TC]CCCCTCTCCCCACAGAGCAACAGCGAGCTCGCCATCCTGTCCAATGAGCATGGCTCCTAC-3'

ClinVar aggregate classification (germline): Benign/Likely benign. Review status: criteria provided, multiple submitters, no conflicts (2 of 4 stars). 2 submissions from 2 submitters: Benign (1); Likely benign (1). Last evaluated 2025-06-04.

Conditions:
Tuberous sclerosis 2 (TSC2). Identifiers: Orphanet 805, MedGen C1860707, MONDO:0013199, OMIM 613254.

Submissions (2):

Myriad Genetics, Inc.
Classification: Likely benign for Tuberous sclerosis 2. Last evaluated: 2025-06-04. Review status: criteria provided, single submitter. Criteria: Myriad Autosomal Dominant, Autosomal Recessive and X-Linked Classification Criteria (2023). Collection method: clinical testing. Allele origin: unknown.
Comment: This variant is considered likely benign. This variant is intronic and is not expected to impact mRNA splicing.

Labcorp Genetics (formerly Invitae), Labcorp
Classification: Benign for Tuberous sclerosis 2. Last evaluated: 2023-10-04. Review status: criteria provided, single submitter. Criteria: Invitae Variant Classification Sherloc (09022015). Collection method: clinical testing. Allele origin: germline.